The following is an entry in ClinVar:

NM_006231.4(POLE):c.2113C>G (p.Arg705Gly)

Gene: POLE (DNA polymerase epsilon, catalytic subunit; minus strand). Cytogenetic location: 12q24.33.
Variant type: single nucleotide variant.
Coding change: c.2113C>G on transcript NM_006231.4 (MANE Select); coding-DNA position 2113, C replaced by G.
Protein change: p.Arg705Gly; replaces arginine 705 with glycine.
Molecular consequence: missense variant.
Genome position (GRCh38, 1-based): chr12:132,668,416, G>C on the plus strand (C>G on the coding strand, the complement: POLE is on the minus strand). VCF-style: chr12-132668416-G-C. GRCh37 (hg19) VCF-style: chr12-133245002-G-C.
Other names: c.2113C>G (NM_006231.2); short protein forms R705G.
Identifiers: ClinVar variation 1368991 (VCV001368991.9), dbSNP rs200621883, ClinGen allele CA6893677.

ClinVar aggregate classification (germline): Uncertain significance. Review status: criteria provided, multiple submitters, no conflicts (2 of 4 stars). 2 submissions from 2 submitters: Uncertain significance (2). Last evaluated 2023-11-09.

Conditions:
Hereditary cancer-predisposing syndrome. Also called: Neoplastic Syndromes, Hereditary; Tumor predisposition; Hereditary neoplastic syndrome; Hereditary Cancer Syndrome. Identifiers: Orphanet 140162, MedGen C0027672, MeSH D009386, MONDO:0015356.

Submissions (2):

Ambry Genetics
Classification: Uncertain significance for Hereditary cancer-predisposing syndrome. Last evaluated: 2023-11-09. Review status: criteria provided, single submitter. Criteria: Ambry Variant Classification Scheme 2023. Collection method: clinical testing. Allele origin: germline.
Comment: The p.R705G variant (also known as c.2113C>G), located in coding exon 19 of the POLE gene, results from a C to G substitution at nucleotide position 2113. The arginine at codon 705 is replaced by glycine, an amino acid with dissimilar properties. This amino acid position is conserved. In addition, the in silico prediction for this alteration is inconclusive. Since supporting evidence is limited at this time, the clinical significance of this alteration remains unclear.

Labcorp Genetics (formerly Invitae), Labcorp
Classification: Uncertain significance. Last evaluated: 2021-07-21. Review status: criteria provided, single submitter. Criteria: Invitae Variant Classification Sherloc (09022015). Collection method: clinical testing. Allele origin: germline.
Comment: This sequence change replaces arginine with glycine at codon 705 of the POLE protein (p.Arg705Gly). The arginine residue is highly conserved and there is a moderate physicochemical difference between arginine and glycine. This variant is present in population databases (rs200621883, ExAC 0.009%). This variant has not been reported in the literature in individuals affected with POLE-related conditions. Algorithms developed to predict the effect of missense changes on protein structure and function are either unavailable or do not agree on the potential impact of this missense change (SIFT: "Tolerated"; PolyPhen-2: "Probably Damaging"; Align-GVGD: "Class C15"). In summary, the available evidence is currently insufficient to determine the role of this variant in disease. Therefore, it has been classified as a Variant of Uncertain Significance.